The following is an entry in ClinVar:

ClinVar aggregate classification (germline): Likely benign (1 of 4 stars; one submission).

Allele frequency attached by ClinVar (database versions not stated): 1000 Genomes Project 30x 0.00062; 1000 Genomes Project 0.00080; TOPMed 0.00101; gnomAD 0.00185 and 0.00192; gnomAD exomes 0.00190.
gnomAD v4.1: 1,338 of 715,958 alleles (0.19%); highest among the groups gnomAD compares: Non-Finnish European, 0.16%; 9 homozygotes.

Submission:

GeneDx
Classification: Likely benign. Last evaluated: 2021-11-14. Review status: criteria provided, single submitter. Criteria: GeneDx Variant Classification Process June 2021. Collection method: clinical testing. Allele origin: germline. Affected: yes.
Comment: See Variant Classification Assertion Criteria.

NM_000718.4(CACNA1B):c.4858-103C>T

Gene: CACNA1B (calcium voltage-gated channel subunit alpha1 B; plus strand). Cytogenetic location: 9q34.3.
Variant type: single nucleotide variant.
Coding change: c.4858-103C>T on transcript NM_000718.4 (MANE Select); 103 bases into the intron before coding-DNA position 4858, C replaced by T.
Molecular consequence: intron variant.
Genome position (GRCh38, 1-based): chr9:138,075,716, C>T. VCF-style: chr9-138075716-C-T. GRCh37 (hg19) VCF-style: chr9-140970168-C-T.
Other names: c.4858-103C>T (NM_001243812.2).
Identifiers: ClinVar variation 1684135 (VCV001684135.2), dbSNP rs184404619, ClinGen allele CA201862387.